The following is an entry in ClinVar:

NM_032043.3(BRIP1):c.2905+2T>A

Gene: BRIP1 (BRCA1 interacting DNA helicase 1; minus strand). Cytogenetic location: 17q23.2.
Variant type: single nucleotide variant.
Coding change: c.2905+2T>A on transcript NM_032043.3 (MANE Select); the canonical splice donor site of the intron after coding-DNA position 2905, T replaced by A.
Molecular consequence: splice donor variant.
Genome position (GRCh38, 1-based): chr17:61,685,834, A>T on the plus strand (T>A on the coding strand, the complement: BRIP1 is on the minus strand). VCF-style: chr17-61685834-A-T. GRCh37 (hg19) VCF-style: chr17-59763195-A-T.
Identifiers: ClinVar variation 2128130 (VCV002128130.7), dbSNP rs1603276502, ClinGen allele CA400481085.

ClinVar aggregate classification (germline): Conflicting classifications of pathogenicity. Review status: criteria provided, conflicting classifications (1 of 4 stars). 3 submissions from 3 submitters: Likely pathogenic (2); Uncertain significance (1). Last evaluated 2024-11-06.

Conditions:
Familial cancer of breast. Also called: BREAST CANCER, FAMILIAL; Hereditary breast cancer; hereditary breast carcinoma. Identifiers: Orphanet 227535, MedGen C0346153, MONDO:0016419, OMIM 114480. Disease mechanism: loss of function.
Fanconi anemia complementation group J. Also called: BRIP1-Related Fanconi Anemia. Identifiers: Orphanet 84, MedGen C1836860, MONDO:0012187, OMIM 609054.

Allele frequency attached by ClinVar (database versions not stated): gnomAD exomes below 0.00001.
gnomAD v4.1: 1 of 1,603,278 alleles (0.000062%); highest among the groups gnomAD compares: Non-Finnish European, 0.000085%; no homozygotes.

Submissions (3):

Myriad Genetics, Inc.
Classification: Likely pathogenic for Familial cancer of breast. Last evaluated: 2024-11-06. Review status: criteria provided, single submitter. Criteria: Myriad Autosomal Dominant, Autosomal Recessive and X-Linked Classification Criteria (2023). Collection method: clinical testing. Allele origin: unknown.
Comment: This variant is considered likely pathogenic. This variant occurs within a consensus splice junction and is predicted to result in abnormal mRNA splicing of either an out-of-frame exon or an in-frame exon necessary for protein stability and/or normal function.

Center for Genomic Medicine, Rigshospitalet, Copenhagen University Hospital
Classification: Likely pathogenic. Last evaluated: 2024-07-31. Review status: criteria provided, single submitter. Criteria: ACMG Guidelines, 2015. Collection method: clinical testing. Allele origin: germline.

Labcorp Genetics (formerly Invitae), Labcorp
Classification: Uncertain significance for Familial cancer of breast; Fanconi anemia complementation group J. Last evaluated: 2022-04-19. Review status: criteria provided, single submitter. Criteria: Invitae Variant Classification Sherloc (09022015). Collection method: clinical testing. Allele origin: germline.
Comment: Variants that disrupt the consensus splice site are a relatively common cause of aberrant splicing (PMID: 17576681, 9536098). RNA analysis performed to evaluate the impact of disruption of this splice site on mRNA splicing indicates it does not significantly alter splicing (Invitae). This variant has not been reported in the literature in individuals affected with BRIP1-related conditions. This variant is not present in population databases (gnomAD no frequency). In summary, the available evidence is currently insufficient to determine the role of this variant in disease. Therefore, it has been classified as a Variant of Uncertain Significance. This sequence change affects a donor splice site in intron 19 of the BRIP1 gene. While this variant is not anticipated to result in nonsense mediated decay, it likely alters RNA splicing and results in a disrupted protein product.

Literature cited by the submitters: PubMed 17576681 (cited by Labcorp Genetics (formerly Invitae), Labcorp); PubMed 9536098 (cited by Labcorp Genetics (formerly Invitae), Labcorp).